The following is an entry in ClinVar:

NM_005097.4(LGI1):c.1057A>C (p.Lys353Gln)

Gene: LGI1 (leucine rich glioma inactivated 1; plus strand). Cytogenetic location: 10q23.33.
Variant type: single nucleotide variant.
Coding change: c.1057A>C on transcript NM_005097.4 (MANE Select); coding-DNA position 1057, A replaced by C.
Protein change: p.Lys353Gln; replaces lysine 353 with glutamine.
Molecular consequence: missense variant. On other transcripts: non-coding transcript variant (1), intron variant (1).
Genome position (GRCh38, 1-based): chr10:93,797,186, A>C. VCF-style: chr10-93797186-A-C. GRCh37 (hg19) VCF-style: chr10-95556943-A-C.
Other names: c.913A>C, p.Lys305Gln (NM_001308276.2); c.839-563A>C (NM_001308275.2); short protein forms K353Q, K305Q.
Identifiers: ClinVar variation 844777 (VCV000844777.11), dbSNP rs2059987771, ClinGen allele CA377627319.

ClinVar aggregate classification (germline): Uncertain significance (1 of 4 stars; one submission).

Conditions:
Autosomal dominant epilepsy with auditory features. Identifiers: Orphanet 101046, MedGen C1838062, MONDO:0010898.

Submission:

Labcorp Genetics (formerly Invitae), Labcorp
Classification: Uncertain significance for Autosomal dominant epilepsy with auditory features. Last evaluated: 2019-11-03. Review status: criteria provided, single submitter. Criteria: Invitae Variant Classification Sherloc (09022015). Collection method: clinical testing. Allele origin: germline.
Comment: This variant is not present in population databases (ExAC no frequency). This variant has not been reported in the literature in individuals with LGI1-related conditions. Algorithms developed to predict the effect of missense changes on protein structure and function are either unavailable or do not agree on the potential impact of this missense change (SIFT: "Deleterious"; PolyPhen-2: "Probably Damaging"; Align-GVGD: "Class C0"). In summary, the available evidence is currently insufficient to determine the role of this variant in disease. Therefore, it has been classified as a Variant of Uncertain Significance. This sequence change replaces lysine with glutamine at codon 353 of the LGI1 protein (p.Lys353Gln). The lysine residue is highly conserved and there is a small physicochemical difference between lysine and glutamine.